The following is an entry in ClinVar:

ClinVar aggregate classification (germline): Uncertain significance. Review status: criteria provided, multiple submitters, no conflicts (2 of 4 stars). 2 submissions from 2 submitters: Uncertain significance (2). Last evaluated 2026-05-06.

Conditions:
Inborn genetic diseases. Identifiers: MedGen C0950123, MeSH D030342.

Submissions (2):

Ambry Genetics
Classification: Uncertain significance for Inborn genetic diseases. Last evaluated: 2026-05-06. Review status: criteria provided, single submitter. Criteria: Ambry Variant Classification Scheme 2023. Collection method: clinical testing. Allele origin: germline.

Labcorp Genetics (formerly Invitae), Labcorp
Classification: Uncertain significance. Last evaluated: 2025-11-11. Review status: criteria provided, single submitter. Criteria: Invitae Variant Classification Sherloc (09022015). Collection method: clinical testing. Allele origin: germline.
Comment: This sequence change replaces leucine, which is neutral and non-polar, with arginine, which is basic and polar, at codon 922 of the LRP6 protein (p.Leu922Arg). This variant is not present in population databases (gnomAD no frequency). This variant has not been reported in the literature in individuals affected with LRP6-related conditions. Invitae Evidence Modeling of protein sequence and biophysical properties (such as structural, functional, and spatial information, amino acid conservation, physicochemical variation, residue mobility, and thermodynamic stability) has been performed for this missense variant. However, the output from this modeling did not meet the statistical confidence thresholds required to predict the impact of this variant on LRP6 protein function. In summary, the available evidence is currently insufficient to determine the role of this variant in disease. Therefore, it has been classified as a Variant of Uncertain Significance.

NM_002336.3(LRP6):c.2765T>G (p.Leu922Arg)

Gene: LRP6 (LDL receptor related protein 6; minus strand). Cytogenetic location: 12p13.2.
Variant type: single nucleotide variant.
Coding change: c.2765T>G on transcript NM_002336.3 (MANE Select); coding-DNA position 2765, T replaced by G.
Protein change: p.Leu922Arg; replaces leucine 922 with arginine.
Molecular consequence: missense variant. On other transcripts: non-coding transcript variant (1).
Genome position (GRCh38, 1-based): chr12:12,158,855, A>C on the plus strand (T>G on the coding strand, the complement: LRP6 is on the minus strand). VCF-style: chr12-12158855-A-C. GRCh37 (hg19) VCF-style: chr12-12311789-A-C.
Other names: c.2765T>G (NM_002336.2); c.2765T>G, p.Leu922Arg (NM_001414244.1, NM_001414245.1, NM_001414246.1 and 4 more transcripts); c.2567T>G, p.Leu856Arg (NM_001414247.1); c.2312T>G, p.Leu771Arg (NM_001414252.1, NM_001414253.1, NM_001414254.1); c.2258T>G, p.Leu753Arg (NM_001414255.1); short protein forms L753R, L922R, L856R, L771R.
Identifiers: ClinVar variation 4696350 (VCV004696350.2).
Genomic context (GRCh38, chr12:12,158,855, plus strand): 5'-ATTCTAGCTTGCTTTGGAGGGAAATGCAGCTTACCACTACAAGTCCTGTTGTCAGCATTA[A>C]GAGAGTAGTGGGCAGGGCATCCACAAACAAAACCCCCAACTGGCACAGCCAAGCAGAGGT-3'
Protein context (NP_002327.2, residues 912-932): FVCGCPAHYS[Leu922Arg]NADNRTCSAP